The following is an entry in ClinVar:

ClinVar aggregate classification (germline): Uncertain significance (1 of 4 stars; one submission).

Allele frequency attached by ClinVar (database versions not stated): gnomAD exomes 0.00001; TOPMed 0.00001; ExAC 0.00001.
gnomAD v4.1: 7 of 1,613,192 alleles (0.00043%); highest among the groups gnomAD compares: Non-Finnish European, 0.00059%; no homozygotes.

Submission:

Labcorp Genetics (formerly Invitae), Labcorp
Classification: Uncertain significance. Last evaluated: 2024-10-22. Review status: criteria provided, single submitter. Criteria: Invitae Variant Classification Sherloc (09022015). Collection method: clinical testing. Allele origin: germline.
Comment: This sequence change replaces leucine, which is neutral and non-polar, with phenylalanine, which is neutral and non-polar, at codon 12 of the COX15 protein (p.Leu12Phe). This variant is present in population databases (rs750087100, gnomAD 0.002%). This variant has not been reported in the literature in individuals affected with COX15-related conditions. ClinVar contains an entry for this variant (Variation ID: 1444131). An algorithm developed to predict the effect of missense changes on protein structure and function outputs the following: PolyPhen-2: "Benign". The phenylalanine amino acid residue is found in multiple mammalian species, which suggests that this missense change does not adversely affect protein function. In summary, the available evidence is currently insufficient to determine the role of this variant in disease. Therefore, it has been classified as a Variant of Uncertain Significance.

NM_078470.6(COX15):c.36G>C (p.Leu12Phe)

Genes: COX15 (cytochrome c oxidase assembly homolog COX15; minus strand), LOC130004506 (ATAC-STARR-seq lymphoblastoid active region 3872; plus strand). Cytogenetic location: 10q24.2.
Variant type: single nucleotide variant.
Coding change: c.36G>C on transcript NM_078470.6 (MANE Select); coding-DNA position 36, G replaced by C.
Protein change: p.Leu12Phe; replaces leucine 12 with phenylalanine.
Molecular consequence: missense variant. On other transcripts: 5 prime UTR variant (1), non-coding transcript variant (1).
Genome position (GRCh38, 1-based): chr10:99,732,014, C>G on the plus strand (G>C on the coding strand, the complement: COX15 is on the minus strand). VCF-style: chr10-99732014-C-G. GRCh37 (hg19) VCF-style: chr10-101491771-C-G.
Other names: c.36G>C, p.Leu12Phe (NM_001320974.2, NM_001320975.2, NM_001372024.1 and 5 more transcripts); c.-419G>C (NM_001320976.2); short protein forms L12F.
Identifiers: ClinVar variation 1444131 (VCV001444131.5), dbSNP rs750087100, ClinGen allele CA5642391.